The following is an entry in ClinVar:

NM_000540.3(RYR1):c.5592G>A (p.Lys1864=)

Gene: RYR1 (ryanodine receptor 1; plus strand). Cytogenetic location: 19q13.2.
Variant type: single nucleotide variant.
Coding change: c.5592G>A on transcript NM_000540.3 (MANE Select); coding-DNA position 5592, G replaced by A.
Protein change: p.Lys1864=; no amino-acid change (lysine 1864 retained).
Molecular consequence: synonymous variant.
Genome position (GRCh38, 1-based): chr19:38,489,221, G>A. VCF-style: chr19-38489221-G-A. GRCh37 (hg19) VCF-style: chr19-38979861-G-A.
Other names: c.5592G>A, p.Lys1864= (NM_001042723.2).
Identifiers: ClinVar variation 1117086 (VCV001117086.10), dbSNP rs750795766, ClinGen allele CA067298.

ClinVar aggregate classification (germline): Likely benign. Review status: criteria provided, multiple submitters, no conflicts (2 of 4 stars). 2 submissions from 2 submitters: Likely benign (2). Last evaluated 2025-08-11.

Conditions:
RYR1-related disorder. Also called: RYR1-related condition; RYR1-related disorders. Identifiers: MedGen CN239331.
Malignant hyperthermia, susceptibility to, 1 (MHS1). Also called: Anesthesia related hyperthermia; Malignant hyperpyrexia; Fulminating hyperpyrexia; Pharmacogenic myopathy; RYR1-Related Malignant Hyperthermia Susceptibility; Malignant hyperthermia suceptibility 1. Identifiers: Orphanet 423, MedGen C2930980, MONDO:0007783, OMIM 145600.

Allele frequency attached by ClinVar (database versions not stated): gnomAD 0.00001; gnomAD exomes 0.00001 and 0.00002; TOPMed 0.00001; ExAC 0.00002.
gnomAD v4.1: 17 of 1,613,984 alleles (0.0011%); highest among the groups gnomAD compares: Middle Eastern, 0.016%; no homozygotes.

Submissions (2):

Labcorp Genetics (formerly Invitae), Labcorp
Classification: Likely benign for RYR1-related disorder. Last evaluated: 2025-08-11. Review status: criteria provided, single submitter. Criteria: Invitae Variant Classification Sherloc (09022015). Collection method: clinical testing. Allele origin: germline.

All of Us Research Program, National Institutes of Health
Classification: Likely benign for Malignant hyperthermia, susceptibility to, 1. Last evaluated: 2024-02-22. Review status: criteria provided, single submitter. Criteria: ACMG Guidelines, 2015. Collection method: clinical testing. Allele origin: germline. Inheritance: Autosomal dominant inheritance. Observed: 1 variant allele, 1 heterozygote.
Comment: This study involves interpretation of variants in research participants for the purpose of population health screening. Participant phenotype was not available at the time of variant classification. Additional details can be found in publication PMID: 35346344, PMCID: PMC8962531